The following is an entry in ClinVar:

ClinVar aggregate classification (germline): Pathogenic (1 of 4 stars; one submission).

Allele frequency attached by ClinVar (database versions not stated): TOPMed 0.00001 and below 0.00001; gnomAD 0.00001 and 0.00003.

Submission:

GeneDx
Classification: Pathogenic. Last evaluated: 2015-07-23. Review status: criteria provided, single submitter. Criteria: GeneDx Variant Classification (06012015). Collection method: clinical testing. Allele origin: germline. Affected: yes.
Comment: The c.90159dupC duplication causes a frameshift starting at Glycine 30054, changes that amino acid residue toan Arginine and creates a premature Stop codon at position 13 of the new reading frame, denotedp.Gly30054ArgfsX13. This variant is expected to result in either an abnormal, truncated protein product orloss of protein from this allele through nonsense mediated mRNA decay. Although truncating TTNvariants have been reported in approximately 3% of control alleles, the c.90159dupC variant is located inthe A band region of Titin, where the majority of truncating variants associated with DCM have beenreported (Herman et al., 2012). Therefore, c.90159dupC is considered a pathogenic variant.

NM_001267550.2(TTN):c.95082dup (p.Gly31695fs)

Genes: TTN (titin; minus strand), TTN-AS1 (TTN antisense RNA 1; plus strand). Cytogenetic location: 2q31.2.
Variant type: Duplication.
Coding change: c.95082dup on transcript NM_001267550.2 (MANE Select); coding-DNA position 95082, one base duplicated (C; older notation c.95082dupC).
Protein change: p.Gly31695fs; shifts the reading frame from glycine 31695.
Molecular consequence: frameshift variant.
Genome position (GRCh38, 1-based): chr2:178,546,249, G duplicated on the plus strand (C on the coding strand, the reverse complement: TTN is on the minus strand). VCF-style (leftmost placement, unchanged base first): chr2-178546248-C-CG. GRCh37 (hg19) VCF-style: chr2-179410975-C-CG.
Other names: c.90159dup, p.Gly30054fs (NM_001256850.1); c.67887dup, p.Gly22630fs (NM_003319.4); c.87378dup, p.Gly29127fs (NM_133378.4); c.68262dup, p.Gly22755fs (NM_133432.3); c.68463dup, p.Gly22822fs (NM_133437.4); c.90159dupC (NM_001256850.1); short protein forms G22755fs, G22822fs, G29127fs, G31695fs, G22630fs, G30054fs.
Identifiers: ClinVar variation 419461 (VCV000419461.2), dbSNP rs1064793888, ClinGen allele CA16617335.
Genomic context (GRCh38, chr2:178,546,248, plus strand): 5'-TGTGAGAACATTTGACATGCTTACCAAGCACTTTGACCATGACAGACACGGCCTTGGTCC[C>CG]GCTGGCATTTTTCACTGTTAAAGTGTATTTTCCACTGTCACTTCTGTCACAGAACTTGAT-3'